The following is an entry in ClinVar:

NM_000340.2(SLC2A2):c.1349T>C (p.Val450Ala)

Gene: SLC2A2 (solute carrier family 2 member 2; minus strand). Cytogenetic location: 3q26.2.
Variant type: single nucleotide variant.
Coding change: c.1349T>C on transcript NM_000340.2 (MANE Select); coding-DNA position 1349, T replaced by C.
Protein change: p.Val450Ala; replaces valine 450 with alanine.
Molecular consequence: missense variant.
Genome position (GRCh38, 1-based): chr3:170,998,218, A>G on the plus strand (T>C on the coding strand, the complement: SLC2A2 is on the minus strand). VCF-style: chr3-170998218-A-G. GRCh37 (hg19) VCF-style: chr3-170716007-A-G.
Other names: c.992T>C, p.Val331Ala (NM_001278658.2); c.830T>C, p.Val277Ala (NM_001278659.2); short protein forms V277A, V331A, V450A.
Identifiers: ClinVar variation 1912310 (VCV001912310.5), dbSNP rs776395971, ClinGen allele CA2702433.

ClinVar aggregate classification (germline): Uncertain significance (1 of 4 stars; one submission).

Conditions:
Fanconi-Bickel syndrome (FBS). Also called: PSEUDO-PHLORIZIN DIABETES; FANCONI SYNDROME WITH INTESTINAL MALABSORPTION AND GALACTOSE INTOLERANCE; HEPATIC GLYCOGENOSIS WITH AMINO ACIDURIA AND GLUCOSURIA; HEPATIC GLYCOGENOSIS WITH FANCONI NEPHROPATHY; HEPATORENAL GLYCOGENOSIS WITH RENAL FANCONI SYNDROME; Glycogen storage disease due to GLUT2 deficiency. Identifiers: Orphanet 2088, MedGen C3495427, MONDO:0009216, OMIM 227810.

Allele frequency attached by ClinVar (database versions not stated): gnomAD exomes below 0.00001; ExAC 0.00001.
gnomAD v4.1: 4 of 1,613,800 alleles (0.00025%); highest among the groups gnomAD compares: South Asian, 0.0033%; no homozygotes.

Submission:

Labcorp Genetics (formerly Invitae), Labcorp
Classification: Uncertain significance for Fanconi-Bickel syndrome. Last evaluated: 2022-03-20. Review status: criteria provided, single submitter. Criteria: Invitae Variant Classification Sherloc (09022015). Collection method: clinical testing. Allele origin: germline.
Comment: Algorithms developed to predict the effect of missense changes on protein structure and function (SIFT, PolyPhen-2, Align-GVGD) all suggest that this variant is likely to be tolerated. This variant has not been reported in the literature in individuals affected with SLC2A2-related conditions. This variant is present in population databases (rs776395971, gnomAD 0.003%). This sequence change replaces valine, which is neutral and non-polar, with alanine, which is neutral and non-polar, at codon 450 of the SLC2A2 protein (p.Val450Ala). In summary, the available evidence is currently insufficient to determine the role of this variant in disease. Therefore, it has been classified as a Variant of Uncertain Significance.